The following is an entry in ClinVar:

ClinVar aggregate classification (germline): Conflicting classifications of pathogenicity. Review status: criteria provided, conflicting classifications (1 of 4 stars). 4 submissions from 4 submitters: Uncertain significance (1); Likely benign (2). 1 of the submissions does not count toward it. Last evaluated 2024-09-14.

Conditions:
CABP4-related disorder. Also called: CABP4-related condition.
Cone-rod synaptic disorder, congenital nonprogressive. Also called: NIGHT BLINDNESS, CONGENITAL STATIONARY, INCOMPLETE, AUTOSOMAL RECESSIVE. Identifiers: Orphanet 215, MedGen C4041558, MONDO:0012490, OMIM 610427.

Allele frequency attached by ClinVar (database versions not stated): TOPMed 0.00002; ESP Exome Variant Server 0.00023.

Submissions (4):

Labcorp Genetics (formerly Invitae), Labcorp
Classification: Likely benign. Last evaluated: 2024-09-14. Review status: criteria provided, single submitter. Criteria: Invitae Variant Classification Sherloc (09022015). Collection method: clinical testing. Allele origin: germline.

Blueprint Genetics
Classification: Likely benign. Last evaluated: 2024-05-27. Review status: criteria provided, single submitter. Criteria: ACMG Guidelines, 2015. Collection method: clinical testing. Allele origin: germline.

Illumina Laboratory Services, Illumina
Classification: Uncertain significance for Cone-rod synaptic disorder, congenital nonprogressive. Last evaluated: 2018-01-12. Review status: criteria provided, single submitter. Criteria: ICSL Variant Classification Criteria 13 December 2019. Collection method: clinical testing. Allele origin: germline.

PreventionGenetics, part of Exact Sciences
Classification: Likely benign for CABP4-related condition. Last evaluated: 2019-08-28. Review status: no assertion criteria provided. Collection method: clinical testing. Allele origin: germline. Not counted in ClinVar's aggregate classification.
Comment: This variant is classified as likely benign based on ACMG/AMP sequence variant interpretation guidelines (Richards et al. 2015 PMID: 25741868, with internal and published modifications).

NM_145200.5(CABP4):c.246C>A (p.Gly82=)

Gene: CABP4 (calcium binding protein 4; plus strand). Cytogenetic location: 11q13.2.
Variant type: single nucleotide variant.
Coding change: c.246C>A on transcript NM_145200.5 (MANE Select); coding-DNA position 246, C replaced by A.
Protein change: p.Gly82=; no amino-acid change (glycine 82 retained).
Molecular consequence: synonymous variant. On other transcripts: 5 prime UTR variant (2), non-coding transcript variant (1), intron variant (1).
Genome position (GRCh38, 1-based): chr11:67,455,669, C>A. VCF-style: chr11-67455669-C-A. GRCh37 (hg19) VCF-style: chr11-67223140-C-A.
Other names: c.-138C>A (NM_001300895.3); c.-152C>A (NM_001379183.1); c.-112-40C>A (NM_001300896.3).
Identifiers: ClinVar variation 879899 (VCV000879899.14), dbSNP rs147329388, ClinGen allele CA6140107.